The following is an entry in ClinVar:

ClinVar aggregate classification (germline): Pathogenic (1 of 4 stars; one submission).

Conditions:
Inborn genetic diseases. Identifiers: MedGen C0950123, MeSH D030342.

Submission:

Ambry Genetics
Classification: Pathogenic for Inborn genetic diseases. Last evaluated: 2024-09-26. Review status: criteria provided, single submitter. Criteria: Ambry Variant Classification Scheme 2023. Collection method: clinical testing. Allele origin: germline.
Comment: The c.2752dupC (p.L918Pfs*185) alteration, located in exon 19 (coding exon 17) of the RERE gene, consists of a duplication of C at position 2752, causing a translational frameshift with a predicted alternate stop codon after 185 amino acids. This alteration is expected to result in loss of function by premature protein truncation or nonsense-mediated mRNA decay. This variant was not reported in population-based cohorts in the Genome Aggregation Database (gnomAD). Based on the available evidence, this alteration is classified as pathogenic.

NM_001042681.2(RERE):c.2752dup (p.Leu918fs)

Gene: RERE (arginine-glutamic acid dipeptide repeats; minus strand). Cytogenetic location: 1p36.23.
Variant type: Duplication.
Coding change: c.2752dup on transcript NM_001042681.2 (MANE Select); coding-DNA position 2752, one base duplicated (C; older notation c.2752dupC).
Protein change: p.Leu918fs; shifts the reading frame from leucine 918.
Molecular consequence: frameshift variant.
Genome position (GRCh38, 1-based): chr1:8,360,755, G duplicated on the plus strand (C on the coding strand, the reverse complement: RERE is on the minus strand); the first of 4 consecutive G bases (chr1:8,360,755-8,360,758); duplicating any one gives the same sequence. VCF-style (leftmost placement, unchanged base first): chr1-8360754-A-AG. GRCh37 (hg19) VCF-style: chr1-8420814-A-AG.
Other names: c.1090dup, p.Leu364fs (NM_001042682.2); c.2752dup, p.Leu918fs (NM_012102.4); short protein forms L364fs, L918fs.
Identifiers: ClinVar variation 3432130 (VCV003432130.1).
Genomic context (GRCh38, chr1:8,360,754, plus strand): 5'-TGGGGGATGGGAGTGGTAGGCGGGGGCTTGATGTGGGGCATGGCCAAGGGCGCTGGTGGC[A>AG]GGGGCTGCTCCCGTGGAGGCTGTTGGGACTGCAGCGCTGACTGAGAGGCTGGCAGCTGCA-3'